The following is an entry in ClinVar:

ClinVar aggregate classification (germline): Uncertain significance (1 of 4 stars; one submission).

Conditions:
Combined oxidative phosphorylation defect type 17. Also called: Combined oxidative phosphorylation deficiency 17. Identifiers: Orphanet 369913, MedGen C3809526, MONDO:0014190, OMIM 615440.

Submission:

Labcorp Genetics (formerly Invitae), Labcorp
Classification: Uncertain significance for Combined oxidative phosphorylation defect type 17. Last evaluated: 2021-08-15. Review status: criteria provided, single submitter. Criteria: Invitae Variant Classification Sherloc (09022015). Collection method: clinical testing. Allele origin: germline.
Comment: This sequence change replaces phenylalanine with leucine at codon 397 of the ELAC2 protein (p.Phe397Leu). The phenylalanine residue is highly conserved and there is a small physicochemical difference between phenylalanine and leucine. This variant is not present in population databases (ExAC no frequency). This variant has not been reported in the literature in individuals with ELAC2-related conditions. Algorithms developed to predict the effect of missense changes on protein structure and function (SIFT, PolyPhen-2, Align-GVGD) all suggest that this variant is likely to be tolerated, but these predictions have not been confirmed by published functional studies and their clinical significance is uncertain. In summary, the available evidence is currently insufficient to determine the role of this variant in disease. Therefore, it has been classified as a Variant of Uncertain Significance.

NM_018127.7(ELAC2):c.1189T>C (p.Phe397Leu)

Gene: ELAC2 (elaC ribonuclease Z 2; minus strand). Cytogenetic location: 17p12.
Variant type: single nucleotide variant.
Coding change: c.1189T>C on transcript NM_018127.7 (MANE Select); coding-DNA position 1189, T replaced by C.
Protein change: p.Phe397Leu; replaces phenylalanine 397 with leucine.
Molecular consequence: missense variant.
Genome position (GRCh38, 1-based): chr17:13,002,470, A>G on the plus strand (T>C on the coding strand, the complement: ELAC2 is on the minus strand). VCF-style: chr17-13002470-A-G. GRCh37 (hg19) VCF-style: chr17-12905787-A-G.
Other names: c.1069T>C, p.Phe357Leu (NM_001165962.2); c.1189T>C, p.Phe397Leu (NM_173717.2); short protein forms F357L, F397L.
Identifiers: ClinVar variation 1444182 (VCV001444182.8), dbSNP rs2143606118, ClinGen allele CA398225352.
Genomic context (GRCh38, chr17:13,002,470, plus strand): 5'-GGGCCGACAAGGGGCCGGTCTGAGACACTACCTTACAGCGGAAACTGGTGAGCAGGGGGA[A>G]GATGTCCGGGTGGATGAGGTTGAGCTGGGTTTGAATCTTGTGGCTGCGAAGGTTGTGAAC-3'
Protein context (NP_060597.4, residues 387-407): TQLNLIHPDI[Phe397Leu]PLLTSFRCKK